The following is an entry in ClinVar:

ClinVar aggregate classification (germline): Uncertain significance. Review status: criteria provided, multiple submitters, no conflicts (2 of 4 stars). 4 submissions from 4 submitters: Uncertain significance (4). Last evaluated 2025-09-30.

Conditions:
Congenital myotonia, autosomal dominant form (THD). Also called: THOMSEN DISEASE; Myotonia congenita autosomal dominant. Identifiers: Orphanet 614, MedGen C2936781, MONDO:0008055, OMIM 160800.
Congenital myotonia, autosomal recessive form. Also called: Becker Generalized Myotonia; myotonia congenita, autosomal recessive; BECKER DISEASE. Identifiers: Orphanet 614, MedGen C0751360, MONDO:0009715, OMIM 255700.

Allele frequency attached by ClinVar (database versions not stated): gnomAD 0.00002; ExAC 0.00010; TOPMed 0.00010; gnomAD exomes 0.00013.
gnomAD v4.1: 38 of 1,614,048 alleles (0.0024%); highest among the groups gnomAD compares: East Asian, 0.076%; no homozygotes.

Submissions (4):

Women's Health and Genetics/Laboratory Corporation of America, LabCorp
Classification: Uncertain significance. Last evaluated: 2025-09-30. Review status: criteria provided, single submitter. Criteria: LabCorp Variant Classification Summary - May 2015. Collection method: clinical testing. Allele origin: germline.
Comment: Variant summary: CLCN1 c.1723C>T (p.Pro575Ser) results in a non-conservative amino acid change in the encoded protein sequence. Algorithms developed to predict the effect of missense changes on protein structure and function all suggest that this variant is likely to be disruptive. The variant allele was found at a frequency of 0.00013 in 251064 control chromosomes. This frequency is not significantly higher than estimated for disease-causing variants in CLCN1, allowing no conclusion about variant significance. c.1723C>T has been observed in compound heterozygous individuals affected with Myotonia congenita without convincing evidence of causality (Jou_2004, Tian_2015, He_2024, Wang_2025). These report(s) do not provide unequivocal conclusions about association of the variant with Myotonia congenita. At least one publication reports experimental evidence evaluating an impact on protein function and the most pronounced variant effect results in about 50% of normal activity (Lin_2006). The following publications have been ascertained in the context of this evaluation (PMID: 38720415, 15311340, 17097617, 27066551, 40490814). ClinVar contains an entry for this variant (Variation ID: 858667). Based on the evidence outlined above, the variant was classified as uncertain significance.

Labcorp Genetics (formerly Invitae), Labcorp
Classification: Uncertain significance for Congenital myotonia, autosomal recessive form; Congenital myotonia, autosomal dominant form. Last evaluated: 2025-01-06. Review status: criteria provided, single submitter. Criteria: Invitae Variant Classification Sherloc (09022015). Collection method: clinical testing. Allele origin: germline.
Comment: This sequence change replaces proline, which is neutral and non-polar, with serine, which is neutral and polar, at codon 575 of the CLCN1 protein (p.Pro575Ser). This variant is present in population databases (rs766432255, gnomAD 0.2%). This missense change has been observed in individual(s) with autosomal recessive myotonia congenita (PMID: 15311340). ClinVar contains an entry for this variant (Variation ID: 858667). Invitae Evidence Modeling of protein sequence and biophysical properties (such as structural, functional, and spatial information, amino acid conservation, physicochemical variation, residue mobility, and thermodynamic stability) has been performed for this missense variant. However, the output from this modeling did not meet the statistical confidence thresholds required to predict the impact of this variant on CLCN1 protein function. Experimental studies have shown that this missense change affects CLCN1 function (PMID: 17097617). In summary, the available evidence is currently insufficient to determine the role of this variant in disease. Therefore, it has been classified as a Variant of Uncertain Significance.

Revvity Omics, Revvity
Classification: Uncertain significance. Last evaluated: 2019-10-30. Review status: criteria provided, single submitter. Criteria: ACMG Guidelines, 2015. Collection method: clinical testing. Allele origin: germline.

GeneDx
Classification: Uncertain significance. Last evaluated: 2019-07-22. Review status: criteria provided, single submitter. Criteria: GeneDx Variant Classification Process June 2021. Collection method: clinical testing. Allele origin: germline. Affected: yes.
Comment: In silico analysis, which includes protein predictors and evolutionary conservation, supports a deleterious effect; This variant is associated with the following publications: (PMID: 29381887, 15311340, 15786415, 27415035, 27066551, 25205014, 18220014, 18035046, 17097617)

Literature cited by the submitters: PubMed 27066551 (cited by Women's Health and Genetics/Laboratory Corporation of America, LabCorp); PubMed 15311340 (cited by Women's Health and Genetics/Laboratory Corporation of America, LabCorp and Labcorp Genetics (formerly Invitae), Labcorp); PubMed 17097617 (cited by Women's Health and Genetics/Laboratory Corporation of America, LabCorp and Labcorp Genetics (formerly Invitae), Labcorp); PubMed 38720415 (cited by Women's Health and Genetics/Laboratory Corporation of America, LabCorp); PubMed 40490814 (cited by Women's Health and Genetics/Laboratory Corporation of America, LabCorp).

NM_000083.3(CLCN1):c.1723C>T (p.Pro575Ser)

Gene: CLCN1 (chloride voltage-gated channel 1; plus strand). Cytogenetic location: 7q34.
Variant type: single nucleotide variant.
Coding change: c.1723C>T on transcript NM_000083.3 (MANE Select); coding-DNA position 1723, C replaced by T.
Protein change: p.Pro575Ser; replaces proline 575 with serine.
Molecular consequence: missense variant. On other transcripts: non-coding transcript variant (1).
Genome position (GRCh38, 1-based): chr7:143,342,069, C>T. VCF-style: chr7-143342069-C-T. GRCh37 (hg19) VCF-style: chr7-143039162-C-T.
Other names: short protein forms P575S.
Identifiers: ClinVar variation 858667 (VCV000858667.15), dbSNP rs766432255, ClinGen allele CA4537457.
Genomic context (GRCh38, chr7:143,342,069, plus strand): 5'-CACATCCTGCCCATGATGGTGGCTGTTATCTTGGCCAACATGGTGGCCCAGAGCCTGCAG[C>T]CCTCTCTCTATGACAGCATCATCCAGGTCAAGAAGCTACCCTACTTGCCTGACCTTGGCT-3'
Protein context (NP_000074.3, residues 565-585): LANMVAQSLQ[Pro575Ser]SLYDSIIQVK